The following is an entry in ClinVar:

ClinVar aggregate classification (germline): Pathogenic/Likely pathogenic. Review status: criteria provided, multiple submitters, no conflicts (2 of 4 stars). 11 submissions from 10 submitters: Pathogenic (7); Likely pathogenic (2). 2 of the submissions do not count toward it. Last evaluated 2026-10-01.

Conditions:
Combined osteogenesis imperfecta and Ehlers-Danlos syndrome 1. Also called: OIEDS SYNDROME 1. Identifiers: MedGen C5436842, MONDO:0030854, OMIM 619115.
Osteoporosis. Identifiers: MedGen C0029456, MONDO:0005298, OMIM 166710, HP:0000939.
Ehlers-Danlos syndrome, arthrochalasia type. Also called: ARTHROCHALASIS MULTIPLEX CONGENITA; EDS VII, MUTANT PROCOLLAGEN TYPE; EDS VIIA; Ehlers-Danlos syndrome, arthrochalasia type, 1; Ehlers-Danlos syndrome, arthrochalasis type. Identifiers: Orphanet 1899, Orphanet 99875, Orphanet 99876, MedGen C4551623, MONDO:0007525, OMIM 130060.
Osteogenesis imperfecta type III (OI3). Also called: Osteogenesis imperfecta type 3; OI type 3; Osteogenesis imperfecta, progressively deforming with normal sclerae; OI type III; Progressively Deforming Osteogenesis Imperfecta. Identifiers: Orphanet 216812, Orphanet 666, MedGen C0268362, MONDO:0009804, OMIM 259420.
Osteogenesis imperfecta with normal sclerae, dominant form (OI4). Also called: Osteogenesis Imperfecta Type IV; Common Variable Osteogenesis Imperfecta with Normal Sclerae; OSTEOGENESIS IMPERFECTA, TYPE IV, WITH DENTINOGENESIS IMPERFECTA; Osteogenesis imperfecta type 4; OSTEOGENESIS IMPERFECTA WITH NORMAL SCLERAE. Identifiers: Orphanet 216820, Orphanet 666, MedGen C0268363, MONDO:0008148, OMIM 166220.
Osteogenesis imperfecta type I (OI1). Also called: Lobstein disease; Classic Non-deforming Osteogenesis Imperfecta with Blue Sclerae; Osteogenesis imperfecta type 1; OI, TYPE I; OSTEOGENESIS IMPERFECTA TARDA; OSTEOGENESIS IMPERFECTA WITH BLUE SCLERAE. Identifiers: Orphanet 216796, Orphanet 666, MedGen C0023931, MONDO:0008146, OMIM 166200. Disease mechanism: loss of function.
Infantile cortical hyperostosis. Also called: P1PK BLOOD GROUP SYSTEM, P(2) PHENOTYPE; Caffey Disease; Hyperostosis, Cortical, Congenital. Identifiers: Orphanet 1310, MedGen C0020497, MONDO:0007244, OMIM 114000.
Osteogenesis imperfecta, perinatal lethal (OI2). Also called: Osteogenesis imperfecta type 2; VROLIK TYPE OF OSTEOGENESIS IMPERFECTA; OI, TYPE II; OSTEOGENESIS IMPERFECTA CONGENITA; Osteogenesis imperfecta, dominant perinatal lethal; OSTEOGENESIS IMPERFECTA, TYPE II. Identifiers: Orphanet 216804, MedGen C0268358, MONDO:0008147, OMIM 166210.
COL1A1-related disorder. Also called: COL1A1- related disease; COL1A1-related condition.
Ehlers-Danlos syndrome, classic type (cEDS). Identifiers: Orphanet 287, MedGen C4225429, MONDO:0007522.
Ehlers-Danlos syndrome (EDS). Identifiers: Orphanet 98249, MedGen C0013720, MONDO:0020066.
Joint hypermobility. Also called: Joint hyperflexibility. Identifiers: MedGen C1862377, HP:0001382.
Fragile skin. Identifiers: MedGen C0241181, HP:0001030.
Bruising susceptibility. Also called: Easy bruising. Identifiers: MedGen C0423798, HP:0000978.

Allele frequency attached by ClinVar (database versions not stated): gnomAD exomes below 0.00001.
gnomAD v4.1: 1 of 1,611,554 alleles (0.000062%); highest among the groups gnomAD compares: Non-Finnish European, 0.000085%; no homozygotes.

Submissions (11):

CeGaT Center for Human Genetics Tuebingen
Classification: Pathogenic. Last evaluated: 2026-10-01. Review status: criteria provided, single submitter. Criteria: CeGaT Center For Human Genetics Tuebingen Variant Classification Criteria Version 2. Collection method: clinical testing. Allele origin: germline. Affected: yes. Observed: 2 variant alleles.
Comment: COL1A1: PP1:Strong, PS4, PM2, PM6

PreventionGenetics, part of Exact Sciences
Classification: Pathogenic for COL1A1-related condition. Last evaluated: 2026-03-13. Review status: criteria provided, single submitter. Criteria: ACMG Guidelines, 2015. Collection method: clinical testing. Allele origin: germline.
Comment: The COL1A1 c.934C>T variant is predicted to result in the amino acid substitution p.Arg312Cys. This variant has been reported in several individuals with Ehlers-Danlos syndrome (see, for example, Nuytinck et al 2000. PubMed ID: 10739762; Gaines et al. 2015. PubMed ID: 25597651; Ritelli et al. 2020. PubMed ID: 32736638). This variant has also been reported in a three-generation EDS family, and the affected patients mainly presented with skin hyperextensibility, atrophic scars, and generalized joint hypermobility (Colombi et al. 2017. PubMed ID: 28102596). This variant has not been reported in a large population database (gnomAD), indicating this variant is rare. This variant is interpreted as pathogenic.

Labcorp Genetics (formerly Invitae), Labcorp
Classification: Pathogenic for Osteogenesis imperfecta type I. Last evaluated: 2025-09-08. Review status: criteria provided, single submitter. Criteria: Invitae Variant Classification Sherloc (09022015). Collection method: clinical testing. Allele origin: germline.
Comment: This sequence change replaces arginine, which is basic and polar, with cysteine, which is neutral and slightly polar, at codon 312 of the COL1A1 protein (p.Arg312Cys). This variant is not present in population databases (gnomAD no frequency). This missense change has been observed in individual(s) with EDS and Ehlers-Danlos syndrome (EDS) (PMID: 10739762, 17211858, 23587214, 25597651, 28102596). In at least one individual the variant was observed to be de novo. It has also been observed to segregate with disease in related individuals. ClinVar contains an entry for this variant (Variation ID: 17343). Invitae Evidence Modeling of protein sequence and biophysical properties (such as structural, functional, and spatial information, amino acid conservation, physicochemical variation, residue mobility, and thermodynamic stability) indicates that this missense variant is expected to disrupt COL1A1 protein function with a positive predictive value of 95%. For these reasons, this variant has been classified as Pathogenic.

Department of Molecular Genetics, Istishari Arab Hospital
Classification: Pathogenic for Combined osteogenesis imperfecta and Ehlers-Danlos syndrome 1. Last evaluated: 2025-08-17. Review status: criteria provided, single submitter. Criteria: ACMG Guidelines, 2015. Collection method: clinical testing. Allele origin: germline. Inheritance: Autosomal dominant inheritance. Affected: yes.
Comment: The COL1A1 variant c.934C>T p.Arg312Cys causes an amino acid change from Arg to Cys at position 312. This variant was previously reported in cases Ehlers-Danlos syndrome-1 (PMID: 20301422, 28102596, 25597651, and many others). It is classified as pathogenic (class 1) according to the recommendations of ACMG/AMP/ClinGen SVI guidelines.

GeneDx
Classification: Pathogenic. Last evaluated: 2022-10-31. Review status: criteria provided, single submitter. Criteria: GeneDx Variant Classification Process June 2021. Collection method: clinical testing. Allele origin: germline. Affected: yes.
Comment: Not observed at significant frequency in large population cohorts (gnomAD); In silico analysis supports that this missense variant has a deleterious effect on protein structure/function; Located in the Gly-Xaa-Yaa triple helical region of the pro-alpha1(I) chain encoded by the COL1A1 gene, where triplet glycine substitutions are the most common cause of osteogenesis imperfecta (OI). The effect of missense substitution at the X and Y positions are more difficult to predict; however, multiple variants that result in introduction of a Cys residue in pro-alpha1(I) have been reported to be pathogenic (Dalgleish, 1998); This variant is associated with the following publications: (PMID: 25597651, 10739762, 28102596, 30261568, 32736638, 9399846, 35587586, 35128800, 32369273, 31323331, 34265140, 34712265, 35205310, 35822426, 34484741, 35154279, 31531849)

Fulgent Genetics
Classification: Pathogenic for Infantile cortical hyperostosis; Ehlers-Danlos syndrome, arthrochalasia type; Osteogenesis imperfecta type I; Osteogenesis imperfecta, perinatal lethal; Osteogenesis imperfecta with normal sclerae, dominant form; Osteoporosis; Osteogenesis imperfecta type III; Combined osteogenesis imperfecta and Ehlers-Danlos syndrome 1. Last evaluated: 2022-03-29. Review status: criteria provided, single submitter. Criteria: ACMG Guidelines, 2015. Collection method: clinical testing. Allele origin: unknown.

Genome Diagnostics Laboratory, The Hospital for Sick Children
Classification: Pathogenic for Ehlers-Danlos syndrome. Last evaluated: 2019-10-01. Review status: criteria provided, single submitter. Criteria: ACMG Guidelines, 2015. Collection method: clinical testing. Allele origin: germline.

Centre for Mendelian Genomics, University Medical Centre Ljubljana
Classification: Likely pathogenic for Osteogenesis imperfecta with normal sclerae, dominant form. Last evaluated: 2016-01-01. Review status: criteria provided, single submitter. Criteria: ACMG Guidelines, 2015. Collection method: clinical testing. Allele origin: unknown. Affected: yes.
Comment: This variant was classified as: Likely pathogenic.

Centre for Mendelian Genomics, University Medical Centre Ljubljana
Classification: Likely pathogenic for Bruising susceptibility; Fragile skin; Joint hypermobility. Last evaluated: 2014-12-03. Review status: criteria provided, single submitter. Criteria: ACMG Guidelines, 2015. Collection method: clinical testing. Allele origin: unknown. Affected: yes.

OMIM
Classification: Pathogenic for EHLERS-DANLOS SYNDROME, CLASSIC TYPE. Last evaluated: 2000-04-01. Review status: no assertion criteria provided. Collection method: literature only. Allele origin: germline. Not counted in ClinVar's aggregate classification.

GeneReviews
No classification provided. Condition: Ehlers-Danlos syndrome, classic type. Review status: no classification provided. Collection method: literature only. Allele origin: germline. Not counted in ClinVar's aggregate classification.

Literature cited by the submitters: PubMed 10739762 (cited by 3 submitters); PubMed 17211858 (cited by Labcorp Genetics (formerly Invitae), Labcorp); PubMed 23587214 (cited by Labcorp Genetics (formerly Invitae), Labcorp and GeneReviews); PubMed 25597651 (cited by 3 submitters); PubMed 28102596 (cited by Labcorp Genetics (formerly Invitae), Labcorp and Department of Molecular Genetics, Istishari Arab Hospital); PubMed 20301422 (cited by Department of Molecular Genetics, Istishari Arab Hospital).

NM_000088.4(COL1A1):c.934C>T (p.Arg312Cys)

Gene: COL1A1 (collagen type I alpha 1 chain; minus strand). Cytogenetic location: 17q21.33.
Variant type: single nucleotide variant.
Coding change: c.934C>T on transcript NM_000088.4 (MANE Select); coding-DNA position 934, C replaced by T.
Protein change: p.Arg312Cys; replaces arginine 312 with cysteine.
Molecular consequence: missense variant.
Genome position (GRCh38, 1-based): chr17:50,196,337, G>A on the plus strand (C>T on the coding strand, the complement: COL1A1 is on the minus strand). VCF-style: chr17-50196337-G-A. GRCh37 (hg19) VCF-style: chr17-48273698-G-A.
Other names: R134C; p.Arg312Cys; short protein forms R312C.
Identifiers: ClinVar variation 17343 (VCV000017343.49), dbSNP rs72645347, ClinGen allele CA281095.
Genomic context (GRCh38, chr17:50,196,337, plus strand): 5'-GAGCTCAGGGATCCCCCAAGGGGCCAGGAGTACTTACAGCAGGGCCAGGGGCTCCAGGGC[G>A]ACCTCTCTCACCAGGCAGGCCACGGGGGCCCTGACAACCAAACCAAGAGAAGTCAGATGA-3'
Protein context (NP_000079.2, residues 302-322): GPRGLPGERG[Arg312Cys]PGAPGPAGAR